The following is an entry in ClinVar:

ClinVar aggregate classification (germline): Uncertain significance (1 of 4 stars; one submission).

Conditions:
Pyogenic arthritis-pyoderma gangrenosum-acne syndrome (PAPA). Also called: FAMILIAL RECURRENT ARTHRITIS; PAPA SYNDROME. Identifiers: Orphanet 69126, MedGen C1858361, MONDO:0011462, OMIM 604416.

Allele frequency attached by ClinVar (database versions not stated): gnomAD exomes below 0.00001.
gnomAD v4.1: 2 of 1,611,730 alleles (0.00012%); highest among the groups gnomAD compares: Non-Finnish European, 0.00017%; no homozygotes.

Submission:

Labcorp Genetics (formerly Invitae), Labcorp
Classification: Uncertain significance for Pyogenic arthritis-pyoderma gangrenosum-acne syndrome. Last evaluated: 2024-09-06. Review status: criteria provided, single submitter. Criteria: Invitae Variant Classification Sherloc (09022015). Collection method: clinical testing. Allele origin: germline.
Comment: This sequence change replaces valine, which is neutral and non-polar, with alanine, which is neutral and non-polar, at codon 201 of the PSTPIP1 protein (p.Val201Ala). This variant is present in population databases (no rsID available, gnomAD 0.0009%). This variant has not been reported in the literature in individuals affected with PSTPIP1-related conditions. Invitae Evidence Modeling of protein sequence and biophysical properties (such as structural, functional, and spatial information, amino acid conservation, physicochemical variation, residue mobility, and thermodynamic stability) indicates that this missense variant is not expected to disrupt PSTPIP1 protein function with a negative predictive value of 80%. In summary, the available evidence is currently insufficient to determine the role of this variant in disease. Therefore, it has been classified as a Variant of Uncertain Significance.

NM_003978.5(PSTPIP1):c.602T>C (p.Val201Ala)

Gene: PSTPIP1 (proline-serine-threonine phosphatase interacting protein 1; plus strand). Cytogenetic location: 15q24.3.
Variant type: single nucleotide variant.
Coding change: c.602T>C on transcript NM_003978.5 (MANE Select); coding-DNA position 602, T replaced by C.
Protein change: p.Val201Ala; replaces valine 201 with alanine.
Molecular consequence: missense variant.
Genome position (GRCh38, 1-based): chr15:77,030,541, T>C. VCF-style: chr15-77030541-T-C. GRCh37 (hg19) VCF-style: chr15-77322882-T-C.
Other names: c.602T>C, p.Val201Ala (NM_001321135.2, NM_001411086.1); c.575T>C, p.Val192Ala (NM_001321136.2); c.797T>C, p.Val266Ala (NM_001321137.1); short protein forms V201A, V192A, V266A.
Identifiers: ClinVar variation 2760160 (VCV002760160.3), dbSNP rs1173585215, ClinGen allele CA393520710.